The following is an entry in ClinVar:

ClinVar aggregate classification (germline): Uncertain significance. Review status: criteria provided, multiple submitters, no conflicts (2 of 4 stars). 2 submissions from 2 submitters: Uncertain significance (2). Last evaluated 2026-07-01.

Allele frequency attached by ClinVar (database versions not stated): gnomAD exomes 0.00001; ExAC 0.00002; TOPMed 0.00002; gnomAD 0.00003.
gnomAD v4.1: 22 of 1,613,994 alleles (0.0014%); highest among the groups gnomAD compares: Admixed American, 0.0033%; no homozygotes.

Submissions (2):

CeGaT Center for Human Genetics Tuebingen
Classification: Uncertain significance. Last evaluated: 2026-07-01. Review status: criteria provided, single submitter. Criteria: CeGaT Center For Human Genetics Tuebingen Variant Classification Criteria Version 2. Collection method: clinical testing. Allele origin: germline. Affected: yes. Observed: 1 variant allele.
Comment: MDH2: PM2, PP3

Labcorp Genetics (formerly Invitae), Labcorp
Classification: Uncertain significance. Last evaluated: 2026-01-19. Review status: criteria provided, single submitter. Criteria: Invitae Variant Classification Sherloc (09022015). Collection method: clinical testing. Allele origin: germline.
Comment: This sequence change replaces glycine, which is neutral and non-polar, with serine, which is neutral and polar, at codon 168 of the MDH2 protein (p.Gly168Ser). This variant is present in population databases (rs782546937, gnomAD 0.006%). This missense change has been observed in individual(s) with clinical features of MDH2-related conditions (internal data). In at least one individual the data is consistent with being in trans (on the opposite chromosome) from a pathogenic variant. ClinVar contains an entry for this variant (Variation ID: 2185901). Invitae Evidence Modeling of protein sequence and biophysical properties (such as structural, functional, and spatial information, amino acid conservation, physicochemical variation, residue mobility, and thermodynamic stability) has been performed for this missense variant. However, the output from this modeling did not meet the statistical confidence thresholds required to predict the impact of this variant on MDH2 protein function. In summary, the available evidence is currently insufficient to determine the role of this variant in disease. Therefore, it has been classified as a Variant of Uncertain Significance.

NM_005918.4(MDH2):c.502G>A (p.Gly168Ser)

Gene: MDH2 (malate dehydrogenase 2; plus strand). Cytogenetic location: 7q11.23.
Variant type: single nucleotide variant.
Coding change: c.502G>A on transcript NM_005918.4 (MANE Select); coding-DNA position 502, G replaced by A.
Protein change: p.Gly168Ser; replaces glycine 168 with serine.
Molecular consequence: missense variant. On other transcripts: intron variant (1).
Genome position (GRCh38, 1-based): chr7:76,060,445, G>A. VCF-style: chr7-76060445-G-A. GRCh37 (hg19) VCF-style: chr7-75689763-G-A.
Other names: c.181G>A, p.Gly61Ser (NM_001282404.2); c.429+2367G>A (NM_001282403.2); short protein forms G168S, G61S.
Identifiers: ClinVar variation 2185901 (VCV002185901.20), dbSNP rs782546937, ClinGen allele CA4305561.
Genomic context (GRCh38, chr7:76,060,445, plus strand): 5'-ATCCCCATCACAGCAGAAGTTTTCAAGAAGCATGGAGTGTACAACCCCAACAAAATCTTC[G>A]GCGTGACGACCCTGGACATCGTCAGAGCCAACACCTTTGTTGCAGAGCTGAAGGTAAGGG-3'
Protein context (NP_005909.2, residues 158-178): HGVYNPNKIF[Gly168Ser]VTTLDIVRAN